The following is an entry in ClinVar:

NM_000558.5(HBA1):c.16dup (p.Ala6fs)

Genes: HBA1 (hemoglobin subunit alpha 1; plus strand), LOC106804613 (hemoglobin subunit alpha 1 recombination region; plus strand). Cytogenetic location: 16p13.3.
Variant type: Duplication.
Coding change: c.16dup on transcript NM_000558.5 (MANE Select); coding-DNA position 16, one base duplicated (G; older notation c.16dupG).
Protein change: p.Ala6fs; shifts the reading frame from alanine 6.
Molecular consequence: frameshift variant.
Genome position (GRCh38, 1-based): chr16:176,732, G duplicated. VCF-style (leftmost placement, unchanged base first): chr16-176731-T-TG. GRCh37 (hg19) VCF-style: chr16-226730-T-TG.
Other names: short protein forms A6fs.
Identifiers: ClinVar variation 4814382 (VCV004814382.1).

ClinVar aggregate classification (germline): Likely pathogenic (1 of 4 stars; one submission).

Conditions:
alpha Thalassemia. Also called: Alpha thalassemia spectrum. Identifiers: Orphanet 846, MedGen C0002312, MONDO:0011399, OMIM 604131.

Submission:

Natera, Inc.
Classification: Likely pathogenic for Alpha thalassemia. Last evaluated: 2024-11-03. Review status: criteria provided, single submitter. Criteria: Natera Variant Classification Schema (03/2026). Collection method: clinical testing. Allele origin: germline.
Comment: The c.16dupG variant in HBA1 is a frameshift variant predicted to shift the reading frame beginning at codon 6 and leads to a stop codon 12 codons downstream. This variant is expected to result in nonsense mediated decay, truncation, or a dysfunctional protein product. This variant is rare in the general population with a frequency below the threshold expected for the associated phenotype(s). Given the available evidence, this variant is classified as Likely Pathogenic.